The following is an entry in ClinVar:

NM_001851.6(COL9A1):c.803G>A (p.Arg268Lys)

Gene: COL9A1 (collagen type IX alpha 1 chain; minus strand). Cytogenetic location: 6q13.
Variant type: single nucleotide variant.
Coding change: c.803G>A on transcript NM_001851.6 (MANE Select); coding-DNA position 803, G replaced by A.
Protein change: p.Arg268Lys; replaces arginine 268 with lysine.
Molecular consequence: missense variant. On other transcripts: non-coding transcript variant (1).
Genome position (GRCh38, 1-based): chr6:70,281,463, C>T on the plus strand (G>A on the coding strand, the complement: COL9A1 is on the minus strand). VCF-style: chr6-70281463-C-T. GRCh37 (hg19) VCF-style: chr6-70991166-C-T.
Other names: c.74G>A, p.Arg25Lys (NM_001377289.1, NM_001377290.1, NM_078485.4); c.803G>A, p.Arg268Lys (NM_001377291.1); short protein forms R25K, R268K.
Identifiers: ClinVar variation 1905833 (VCV001905833.5), dbSNP rs755389685, ClinGen allele CA3882656.

ClinVar aggregate classification (germline): Uncertain significance (1 of 4 stars; one submission).

Allele frequency attached by ClinVar (database versions not stated): gnomAD exomes below 0.00001; ExAC 0.00001; gnomAD 0.00003; TOPMed 0.00003.
gnomAD v4.1: 9 of 1,610,972 alleles (0.00056%); highest among the groups gnomAD compares: African/African-American, 0.0094%; no homozygotes.

Submission:

Labcorp Genetics (formerly Invitae), Labcorp
Classification: Uncertain significance. Last evaluated: 2022-05-25. Review status: criteria provided, single submitter. Criteria: Invitae Variant Classification Sherloc (09022015). Collection method: clinical testing. Allele origin: germline.
Comment: In summary, the available evidence is currently insufficient to determine the role of this variant in disease. Therefore, it has been classified as a Variant of Uncertain Significance. Algorithms developed to predict the effect of sequence changes on RNA splicing suggest that this variant may create or strengthen a splice site. Algorithms developed to predict the effect of missense changes on protein structure and function are either unavailable or do not agree on the potential impact of this missense change (SIFT: "Tolerated"; PolyPhen-2: "Not Available"; Align-GVGD: "Class C0"). This variant has not been reported in the literature in individuals affected with COL9A1-related conditions. This variant is present in population databases (rs755389685, gnomAD 0.007%). This sequence change replaces arginine, which is basic and polar, with lysine, which is basic and polar, at codon 268 of the COL9A1 protein (p.Arg268Lys).